The following is an entry in ClinVar:

ClinVar aggregate classification (germline): Benign (1 of 4 stars; one submission).

Submission:

Laboratory for Molecular Medicine, Mass General Brigham Personalized Medicine
Classification: Benign. Last evaluated: 2016-12-13. Review status: criteria provided, single submitter. Criteria: LMM Criteria. Collection method: clinical testing. Allele origin: germline. Observed: 2 variant alleles.
Comment: c.809-35_809-14delins22 in intron 5 of ACTA1: This variant is not expected to ha ve clinical significance because it has been identified (as separate changes) in 15 - 21% of chromosomes from multiple diverse populations by the Genome Aggrega tion Database (gnomAD; dbSNP: rs59228224; rs2 01427429; rs398123565)

NM_001100.4(ACTA1):c.809-35_809-14delinsAGCTTCTGCTCACGCTCCCCCC

Gene: ACTA1 (actin alpha 1, skeletal muscle; minus strand). Cytogenetic location: 1q42.13.
Variant type: Indel.
Coding change: c.809-35_809-14delinsAGCTTCTGCTCACGCTCCCCCC on transcript NM_001100.4 (MANE Select); 35 bases into the intron before coding-DNA position 809 through 14 bases into the intron before coding-DNA position 809, GAGCTTCTGCTCACGCTCCCCG replaced by AGCTTCTGCTCACGCTCCCCCC.
Molecular consequence: intron variant.
Genome position (GRCh38, 1-based): chr1:229,431,916-229,431,937, CGGGGAGCGTGAGCAGAAGCTC replaced by GGGGGGAGCGTGAGCAGAAGCT on the plus strand (GAGCTTCTGCTCACGCTCCCCG replaced by AGCTTCTGCTCACGCTCCCCCC on the coding strand, the reverse complement: ACTA1 is on the minus strand). GRCh37 (hg19): chr1:229,567,663-229,567,684.
Identifiers: ClinVar variation 517171 (VCV000517171.4), dbSNP rs1553255366, ClinGen allele CA658795613.
Genomic context (GRCh38, chr1:229,431,916, plus strand): 5'-CATGATGCTGTTGTAGGTGGTCTCGTGAATGCCCGCCGACTCCATACCTGGGGACCGCGG[CGGGGAGCGTGAGCAGAAGCTC>GGGGGGAGCGTGAGCAGAAGCT]GGGGCGCCGGGGGCCGGCGGGGCCTGGGGGCCGGGGCGAGGGCGAGCGGGGCTCACCGAT-3'